The following is an entry in ClinVar:

ClinVar aggregate classification (germline): Uncertain significance. Review status: criteria provided, multiple submitters, no conflicts (2 of 4 stars). 5 submissions from 5 submitters: Uncertain significance (5). Last evaluated 2025-10-24.

Conditions:
Catecholaminergic polymorphic ventricular tachycardia 1. Also called: RYR2-Related Catecholaminergic Polymorphic Ventricular Tachycardia; VENTRICULAR TACHYCARDIA, CATECHOLAMINERGIC POLYMORPHIC, 1, WITH OR WITHOUT ATRIAL DYSFUNCTION AND/OR DILATED CARDIOMYOPATHY; VENTRICULAR TACHYCARDIA, STRESS-INDUCED POLYMORPHIC 1. Identifiers: Orphanet 3286, MedGen C1631597, MONDO:0011484, OMIM 604772.
Arrhythmogenic right ventricular dysplasia 2. Identifiers: MedGen C1832931.
Ventricular arrhythmias due to cardiac ryanodine receptor calcium release deficiency syndrome. Also called: Autosomal dominant cardiac arrhythmia (Kuhn). Identifiers: MedGen C5542154, MONDO:0020745, OMIM 115000.
Cardiovascular phenotype. Identifiers: MedGen CN230736.
Catecholaminergic polymorphic ventricular tachycardia (CVPT). Also called: Catecholamine-induced polymorphic ventricular tachycardia. Identifiers: Orphanet 3286, MedGen C5574922, MONDO:0017990.

Allele frequency attached by ClinVar (database versions not stated): gnomAD exomes 0.00001; TOPMed 0.00001; 1000 Genomes Project 30x 0.00016; gnomAD 0.00001.

Submissions (5):

Ambry Genetics
Classification: Uncertain significance for Cardiovascular phenotype. Last evaluated: 2025-10-24. Review status: criteria provided, single submitter. Criteria: Ambry Variant Classification Scheme 2023. Collection method: clinical testing. Allele origin: germline.
Comment: The p.R3810* variant (also known as c.11428C>T), located in coding exon 84 of the RYR2 gene, results from a C to T substitution at nucleotide position 11428. This changes the amino acid from an arginine to a stop codon within coding exon 84. This alteration is expected to result in protein truncation or nonsense-mediated mRNA decay. However, loss of function has not been established as a mechanism of disease. Based on the available evidence, the clinical significance of this alteration remains unclear.

Labcorp Genetics (formerly Invitae), Labcorp
Classification: Uncertain significance for Catecholaminergic polymorphic ventricular tachycardia 1. Last evaluated: 2025-08-30. Review status: criteria provided, single submitter. Criteria: Invitae Variant Classification Sherloc (09022015). Collection method: clinical testing. Allele origin: germline.
Comment: This sequence change creates a premature translational stop signal (p.Arg3810*) in the RYR2 gene. It is expected to result in an absent or disrupted protein product. However, the current clinical and genetic evidence is not sufficient to establish whether loss-of-function variants in RYR2 cause disease. This variant is not present in population databases (gnomAD no frequency). This variant has not been reported in the literature in individuals affected with RYR2-related conditions. ClinVar contains an entry for this variant (Variation ID: 618351). Algorithms developed to predict the effect of sequence changes on RNA splicing suggest that this variant may disrupt the consensus splice site. In summary, the available evidence is currently insufficient to determine the role of this variant in disease. Therefore, it has been classified as a Variant of Uncertain Significance.

All of Us Research Program, National Institutes of Health
Classification: Uncertain significance for Catecholaminergic polymorphic ventricular tachycardia. Last evaluated: 2023-02-24. Review status: criteria provided, single submitter. Criteria: ACMG Guidelines, 2015. Collection method: clinical testing. Allele origin: germline. Inheritance: Autosomal dominant inheritance. Observed: 1 variant allele, 1 heterozygote.
Comment: This variant changes 1 nucleotide in exon 84 of the RYR2 gene, creating a premature translation stop signal. This variant is expected to result in an absent or non-functional protein product. To our knowledge, this variant has not been reported in individuals affected with RYR2-related disorders in the literature. This variant has not been identified in the general population by the Genome Aggregation Database (gnomAD). The role of loss-of-function RYR2 truncation variants in cardiovascular disorders is not clearly understood. The available evidence is insufficient to determine the role of this variant in disease conclusively. Therefore, this variant is classified as a Variant of Uncertain Significance.

This study involves interpretation of variants in research participants for the purpose of population health screening. Participant phenotype was not available at the time of variant classification. Additional details can be found in publication PMID: 35346344, PMCID: PMC8962531

Fulgent Genetics
Classification: Uncertain significance for Ventricular arrhythmias due to cardiac ryanodine receptor calcium release deficiency syndrome; Catecholaminergic polymorphic ventricular tachycardia 1. Last evaluated: 2021-12-06. Review status: criteria provided, single submitter. Criteria: ACMG Guidelines, 2015. Collection method: clinical testing. Allele origin: unknown.

ARUP Laboratories, Molecular Genetics and Genomics, ARUP Laboratories
Classification: Uncertain significance. Last evaluated: 2017-07-06. Review status: criteria provided, single submitter. Criteria: ARUP Molecular Germline Variant Investigation Process. Collection method: clinical testing. Allele origin: germline.
Comment: The c.11428C>T variant has not been reported in the medical literature, is not listed in gene-specific variant databases, nor has it been previously identified in our laboratory. It is also absent from population databases such as 1000 Genomes, the NHLBI GO Exome Sequencing Project (ESP), and the Genome Aggregation Database (gnomAD) browser. The c.11428C>T variant introduces an early termination codon into exon 84 (out of 105) and is expected to result in a truncated or absent protein product. Pathogenic variants in RYR2 are associated with catecholaminergic polymorphic ventricular tachycardia (CPVT). When studied in cell culture, the majority of such variants display a hypersensitivity to calcium release, which has led to a gain-of-function model of CPVT pathogenicity. Furthermore, a different mouse knock-out of RYR2 was also shown to lead to arrhythmia and bradycardia in adult mice heterozygous for the deleted allele (Bround 2012). These observations suggest that RYR2 may display some haploinsufficiency with regards to certain cardiac pathologies; however, at this time, more evidence (particularly in the form of human and family co-segregation studies) is needed to establish loss-of-function variants in RYR2 as causative of any clinical manifestation. Taken together, we consider c.11428C>T to be a variant of uncertain significance.

NM_001035.3(RYR2):c.11428C>T (p.Arg3810Ter)

Gene: RYR2 (ryanodine receptor 2; plus strand). Cytogenetic location: 1q43.
Variant type: single nucleotide variant.
Coding change: c.11428C>T on transcript NM_001035.3 (MANE Select); coding-DNA position 11428, C replaced by T.
Protein change: p.Arg3810Ter; replaces arginine 3810 with a stop codon.
Molecular consequence: nonsense.
Genome position (GRCh38, 1-based): chr1:237,760,980, C>T. VCF-style: chr1-237760980-C-T. GRCh37 (hg19) VCF-style: chr1-237924280-C-T.
Other names: c.11428C>T, p.Arg3810Ter (LRG_402t1); short protein forms R3810*.
Identifiers: ClinVar variation 618351 (VCV000618351.14), dbSNP rs1446308525, ClinGen allele CA345429935.